The following is an entry in ClinVar:

ClinVar aggregate classification (germline): Uncertain significance. Review status: criteria provided, multiple submitters, no conflicts (2 of 4 stars). 6 submissions from 6 submitters: Uncertain significance (6). Last evaluated 2026-10-23.

Conditions:
Osteogenesis imperfecta type 13. Also called: OI, TYPE XIII; Osteogenesis imperfecta, type xiii. Identifiers: Orphanet 666, MedGen C3553887, MONDO:0013924, OMIM 614856.
Osteogenesis imperfecta (OI). Identifiers: Orphanet 666, MedGen C0029434, MeSH D010013, MONDO:0019019.

Allele frequency attached by ClinVar (database versions not stated): ESP Exome Variant Server 0.00015; ExAC 0.00017; gnomAD exomes 0.00022; TOPMed 0.00026; gnomAD 0.00027.

Submissions (6):

GeneDx
Classification: Uncertain significance. Last evaluated: 2026-10-23. Review status: criteria provided, single submitter. Criteria: GeneDx Variant Classification Process June 2021. Collection method: clinical testing. Allele origin: germline.
Comment: In silico analysis supports that this missense variant has a deleterious effect on protein structure/function; Reported in individual with low serum ALP. However, this individual also carried variants in the ALPL and COL1A2 genes (PMID: 30719581); This variant is associated with the following publications: (PMID: 30719581)

Blueprint Genetics
Classification: Uncertain significance. Last evaluated: 2024-10-17. Review status: criteria provided, single submitter. Criteria: ACMG Guidelines, 2015. Collection method: clinical testing. Allele origin: germline.

Women's Health and Genetics/Laboratory Corporation of America, LabCorp
Classification: Uncertain significance. Last evaluated: 2024-01-11. Review status: criteria provided, single submitter. Criteria: LabCorp Variant Classification Summary - May 2015. Collection method: clinical testing. Allele origin: germline.
Comment: Variant summary: BMP1 c.2075C>T (p.Ser692Phe) results in a non-conservative amino acid change in the encoded protein sequence. Four of five in-silico tools predict a damaging effect of the variant on protein function. The variant allele was found at a frequency of 0.00022 in 251146 control chromosomes. This frequency is not significantly higher than estimated for a pathogenic variant in BMP1 causing Osteogenesis Imperfecta (0.00022 vs 0.0011), allowing no conclusion about variant significance. c.2075C>T has been reported in the literature in individual(s) affected with bone fragility disorders, without strong evidence for causality (example, Rauch_2019). These report(s) do not provide unequivocal conclusions about association of the variant with Osteogenesis Imperfecta. To our knowledge, no experimental evidence demonstrating an impact on protein function has been reported. The following publication have been ascertained in the context of this evaluation (PMID: 30719581). ClinVar contains an entry for this variant (Variation ID: 362590). Based on the evidence outlined above, the variant was classified as uncertain significance.

Genome Diagnostics Laboratory, The Hospital for Sick Children
Classification: Uncertain significance for Osteogenesis imperfecta. Last evaluated: 2022-07-16. Review status: criteria provided, single submitter. Criteria: ACMG Guidelines, 2015. Collection method: clinical testing. Allele origin: germline.

Labcorp Genetics (formerly Invitae), Labcorp
Classification: Uncertain significance. Last evaluated: 2022-06-04. Review status: criteria provided, single submitter. Criteria: Invitae Variant Classification Sherloc (09022015). Collection method: clinical testing. Allele origin: germline.
Comment: This sequence change replaces serine, which is neutral and polar, with phenylalanine, which is neutral and non-polar, at codon 692 of the BMP1 protein (p.Ser692Phe). This variant is present in population databases (rs201303856, gnomAD 0.04%). This variant has not been reported in the literature in individuals affected with BMP1-related conditions. ClinVar contains an entry for this variant (Variation ID: 362590). Algorithms developed to predict the effect of missense changes on protein structure and function (SIFT, PolyPhen-2, Align-GVGD) all suggest that this variant is likely to be disruptive. In summary, the available evidence is currently insufficient to determine the role of this variant in disease. Therefore, it has been classified as a Variant of Uncertain Significance.

Illumina Laboratory Services, Illumina
Classification: Uncertain significance for Osteogenesis imperfecta type 13. Last evaluated: 2018-01-13. Review status: criteria provided, single submitter. Criteria: ICSL Variant Classification Criteria 13 December 2019. Collection method: clinical testing. Allele origin: germline.

Literature cited by the submitters: PubMed 30719581 (cited by Women's Health and Genetics/Laboratory Corporation of America, LabCorp).

NM_006129.5(BMP1):c.2075C>T (p.Ser692Phe)

Gene: BMP1 (bone morphogenetic protein 1; plus strand). Cytogenetic location: 8p21.3.
Variant type: single nucleotide variant.
Coding change: c.2075C>T on transcript NM_006129.5 (MANE Select); coding-DNA position 2075, C replaced by T.
Protein change: p.Ser692Phe; replaces serine 692 with phenylalanine.
Molecular consequence: missense variant. On other transcripts: non-coding transcript variant (2).
Genome position (GRCh38, 1-based): chr8:22,197,388, C>T. VCF-style: chr8-22197388-C-T. GRCh37 (hg19) VCF-style: chr8-22054901-C-T.
Other names: c.2075C>T, p.Ser692Phe (NM_001199.4); short protein forms S692F.
Identifiers: ClinVar variation 362590 (VCV000362590.15), dbSNP rs201303856, ClinGen allele CA4664923.
Genomic context (GRCh38, chr8:22,197,388, plus strand): 5'-AGGTCATCACCTCCCAGTACAACAACATGCGCGTGGAGTTCAAGTCCGACAACACCGTGT[C>T]CAAAAAGGGCTTCAAGGCCCACTTCTTCTCAGGTATCCCTGGACTGCCCAGCTCCTAGCC-3'
Protein context (NP_006120.1, residues 682-702): RVEFKSDNTV[Ser692Phe]KKGFKAHFFS